The following is an entry in ClinVar:

NM_014244.5(ADAMTS2):c.2958+7A>G

Gene: ADAMTS2 (ADAM metallopeptidase with thrombospondin type 1 motif 2; minus strand). Cytogenetic location: 5q35.3.
Variant type: single nucleotide variant.
Coding change: c.2958+7A>G on transcript NM_014244.5 (MANE Select); 7 bases into the intron after coding-DNA position 2958, A replaced by G.
Molecular consequence: intron variant.
Genome position (GRCh38, 1-based): chr5:179,124,966, T>C on the plus strand (A>G on the coding strand, the complement: ADAMTS2 is on the minus strand). VCF-style: chr5-179124966-T-C. GRCh37 (hg19) VCF-style: chr5-178551967-T-C.
Other names: c.2958+7A>G (NM_014244.4).
Identifiers: ClinVar variation 1112767 (VCV001112767.15), dbSNP rs377461767, ClinGen allele CA3595361.

ClinVar aggregate classification (germline): Likely benign. Review status: criteria provided, multiple submitters, no conflicts (2 of 4 stars). 4 submissions from 4 submitters: Likely benign (2). 2 of the submissions do not count toward it. Last evaluated 2025-11-26.

Conditions:
ADAMTS2-related disorder. Also called: ADAMTS2-related condition.
Ehlers-Danlos syndrome, dermatosparaxis type. Also called: EDS VIIC; Dermatosparaxis; Ehlers-Danlos syndrome, type VII, autosomal recessive. Identifiers: Orphanet 1901, MedGen C2700425, MONDO:0009161, OMIM 225410.

Allele frequency attached by ClinVar (database versions not stated): gnomAD exomes 0.00003 and 0.00006; ExAC 0.00006; ESP Exome Variant Server 0.00015; TOPMed 0.00025; gnomAD 0.00026 and 0.00027.
gnomAD v4.1: 80 of 1,597,092 alleles (0.005%); highest among the groups gnomAD compares: African/African-American, 0.098%; no homozygotes.

Submissions (4):

Women's Health and Genetics/Laboratory Corporation of America, LabCorp
Classification: Likely benign. Last evaluated: 2025-11-26. Review status: criteria provided, single submitter. Criteria: LabCorp Variant Classification Summary - May 2015. Collection method: clinical testing. Allele origin: germline.

Labcorp Genetics (formerly Invitae), Labcorp
Classification: Likely benign for Ehlers-Danlos syndrome, dermatosparaxis type. Last evaluated: 2025-05-22. Review status: criteria provided, single submitter. Criteria: Invitae Variant Classification Sherloc (09022015). Collection method: clinical testing. Allele origin: germline.

PreventionGenetics, part of Exact Sciences
Classification: Likely benign for ADAMTS2-related condition. Last evaluated: 2022-08-26. Review status: no assertion criteria provided. Collection method: clinical testing. Allele origin: germline. Not counted in ClinVar's aggregate classification.
Comment: This variant is classified as likely benign based on ACMG/AMP sequence variant interpretation guidelines (Richards et al. 2015 PMID: 25741868, with internal and published modifications).

Natera, Inc.
Classification: Likely benign for Ehlers-Danlos syndrome type VIIC. Last evaluated: 2020-05-01. Review status: no assertion criteria provided. Collection method: clinical testing. Allele origin: germline. Not counted in ClinVar's aggregate classification.